The following is an entry in ClinVar:

NM_001039141.3(TRIOBP):c.2220del (p.Gln740fs)

Gene: TRIOBP (TRIO and F-actin binding protein; plus strand). Cytogenetic location: 22q13.1.
Variant type: Deletion.
Coding change: c.2220del on transcript NM_001039141.3 (MANE Select); coding-DNA position 2220, one base deleted (G; older notation c.2220delG).
Protein change: p.Gln740fs; shifts the reading frame from glutamine 740.
Molecular consequence: frameshift variant.
Genome position (GRCh38, 1-based): chr22:37,724,776, G deleted. VCF-style (leftmost placement, unchanged base first): chr22-37724775-AG-A. GRCh37 (hg19) VCF-style: chr22-38120782-AG-A.
Other names: short protein forms Q740fs.
Identifiers: ClinVar variation 3601949 (VCV003601949.1).

ClinVar aggregate classification (germline): Pathogenic (1 of 4 stars; one submission).

Conditions:
Autosomal recessive nonsyndromic hearing loss 28. Identifiers: Orphanet 90636, MedGen C1853276, MONDO:0012355, OMIM 609823.

Submission:

Institute of Rare Diseases, West China Hospital, Sichuan University
Classification: Pathogenic for Autosomal recessive nonsyndromic hearing loss 28. Last evaluated: 2025-01-09. Review status: criteria provided, single submitter. Criteria: ClinGen HL ACMG Specifications v1. Collection method: research. Allele origin: germline. Affected: yes.
Comment: PVS1;PM3;PM2_Supporting